The following is an entry in ClinVar:

NM_001034853.2(RPGR):c.2414G>A (p.Gly805Glu)

Gene: RPGR (retinitis pigmentosa GTPase regulator; minus strand). Cytogenetic location: Xp11.4.
Variant type: single nucleotide variant.
Coding change: c.2414G>A on transcript NM_001034853.2 (MANE Select); coding-DNA position 2414, G replaced by A.
Protein change: p.Gly805Glu; replaces glycine 805 with glutamic acid.
Molecular consequence: missense variant. On other transcripts: intron variant (8).
Genome position (GRCh38, 1-based): chrX:38,286,585, C>T on the plus strand (G>A on the coding strand, the complement: RPGR is on the minus strand). VCF-style: chrX-38286585-C-T. GRCh37 (hg19) VCF-style: chrX-38145838-C-T.
Other names: c.1569+4374G>A (NM_001367249.1, NM_001367250.1); c.1902+509G>A (NM_001367245.1); c.1386+4374G>A (NM_001367251.1); c.1719+509G>A (NM_001367246.1); c.1572+4374G>A (NM_001367247.1); c.1905+509G>A (NM_000328.3); c.1602+4374G>A (NM_001367248.1); short protein forms G805E.
Identifiers: ClinVar variation 4801003 (VCV004801003.1).

ClinVar aggregate classification (germline): Uncertain significance (1 of 4 stars; one submission).

Conditions:
Primary ciliary dyskinesia. Also called: Ciliary dyskinesia. Identifiers: Orphanet 244, MedGen C0008780, MONDO:0016575, HP:0012265.

Submission:

Labcorp Genetics (formerly Invitae), Labcorp
Classification: Uncertain significance for Primary ciliary dyskinesia. Last evaluated: 2025-09-16. Review status: criteria provided, single submitter. Criteria: Invitae Variant Classification Sherloc (09022015). Collection method: clinical testing. Allele origin: germline.
Comment: This sequence change replaces glycine, which is neutral and non-polar, with glutamic acid, which is acidic and polar, at codon 805 of the RPGR (ORF15) protein (p.Gly805Glu). This variant is not present in population databases (gnomAD no frequency). This variant has not been reported in the literature in individuals affected with RPGR (ORF15)-related conditions. Invitae Evidence Modeling of protein sequence and biophysical properties (such as structural, functional, and spatial information, amino acid conservation, physicochemical variation, residue mobility, and thermodynamic stability) indicates that this missense variant is not expected to disrupt RPGR (ORF15) protein function with a negative predictive value of 95%. In summary, the available evidence is currently insufficient to determine the role of this variant in disease. Therefore, it has been classified as a Variant of Uncertain Significance.